The following is an entry in ClinVar:

NM_001127208.3(TET2):c.2036C>G (p.Thr679Ser)

Genes: TET2 (tet methylcytosine dioxygenase 2; plus strand), TET2-AS1 (TET2 antisense RNA 1; minus strand). Cytogenetic location: 4q24.
Variant type: single nucleotide variant.
Coding change: c.2036C>G on transcript NM_001127208.3 (MANE Select); coding-DNA position 2036, C replaced by G.
Protein change: p.Thr679Ser; replaces threonine 679 with serine.
Molecular consequence: missense variant.
Genome position (GRCh38, 1-based): chr4:105,235,978, C>G. VCF-style: chr4-105235978-C-G. GRCh37 (hg19) VCF-style: chr4-106157135-C-G.
Other names: c.2036C>G, p.Thr679Ser (NM_017628.4); short protein forms T679S.
Identifiers: ClinVar variation 4827249 (VCV004827249.1).

ClinVar aggregate classification (germline): Uncertain significance (1 of 4 stars; one submission).

Submission:

Ambry Genetics
Classification: Uncertain significance. Last evaluated: 2026-03-01. Review status: criteria provided, single submitter. Criteria: Ambry Variant Classification Scheme 2023. Collection method: clinical testing. Allele origin: germline.
Comment: The p.T679S variant (also known as c.2036C>G), located in coding exon 1 of the TET2 gene, results from a C to G substitution at nucleotide position 2036. The threonine at codon 679 is replaced by serine, an amino acid with similar properties. This amino acid position is conserved. In addition, this alteration is predicted to be tolerated by in silico analysis. Based on the available evidence, the clinical significance of this variant remains unclear.